The following is an entry in ClinVar:

ClinVar aggregate classification (germline): Likely pathogenic. Review status: criteria provided, multiple submitters, no conflicts (2 of 4 stars). 2 submissions from 2 submitters: Likely pathogenic (2). Last evaluated 2021-07-27.

Conditions:
Fetal akinesia deformation sequence 1 (FADS1). Also called: Fetal akinesia sequence; Pena-Shokeir syndrome type I. Identifiers: Orphanet 994, MedGen C1276035, MONDO:0100101, OMIM 208150, HP:0001989.
Arthrogryposis multiplex congenita (AMC). Also called: Congenital multiple arthrogryposis; Fibrous ankylosis of multiple joints; Congenital arthromyodysplasia; Myodystrophia fetalis deformans; Otto syndrome; Rocher-Sheldon syndrome. Identifiers: Orphanet 1037, MedGen C5779613, MeSH D001176, MONDO:0015168, HP:0002804.
Developmental and epileptic encephalopathy, 13 (DEE13). Also called: SCN8A-Related Epilepsy; Developmental and Epileptic Encephalopathy (SCN8A-DEE); Early infantile epileptic encephalopathy 13. Identifiers: Orphanet 442835, MedGen C3281191, MONDO:0013801, OMIM 614558.

Submissions (2):

HudsonAlpha Institute for Biotechnology
Classification: Likely pathogenic for Developmental and epileptic encephalopathy, 13. Last evaluated: 2021-07-27. Review status: criteria provided, single submitter. Criteria: ACMG Guidelines, 2015. Collection method: research. Allele origin: de novo. Affected: yes. Observed: 1 variant allele. Study: CSER-SouthSeq.
Comment: ACMG codes: PS2; PM2; PM5; PP3

Cirak Lab, University Hospital Cologne
Classification: Likely pathogenic for Arthrogryposis multiplex congenita; Fetal akinesia sequence. Last evaluated: 2019-06-28. Review status: criteria provided, single submitter. Criteria: ACMG Guidelines, 2015. Collection method: research. Allele origin: de novo. Affected: yes. Observed: 1 variant allele.

Literature cited by the submitters: PubMed 31680123 (cited by Cirak Lab, University Hospital Cologne).

NM_001330260.2(SCN8A):c.719T>C (p.Ile240Thr)

Gene: SCN8A (sodium voltage-gated channel alpha subunit 8; plus strand). Cytogenetic location: 12q13.13.
Variant type: single nucleotide variant.
Coding change: c.719T>C on transcript NM_001330260.2 (MANE Select); coding-DNA position 719, T replaced by C.
Protein change: p.Ile240Thr; replaces isoleucine 240 with threonine.
Molecular consequence: missense variant.
Genome position (GRCh38, 1-based): chr12:51,699,582, T>C. VCF-style: chr12-51699582-T-C. GRCh37 (hg19) VCF-style: chr12-52093366-T-C.
Other names: c.719T>C, p.Ile240Thr (NM_001177984.3, NM_001369788.1, NM_014191.4); short protein forms I240T.
Identifiers: ClinVar variation 692305 (VCV000692305.3), dbSNP rs1592387849, ClinGen allele CA385226373.